The following is an entry in ClinVar:

NM_012431.3(SEMA3E):c.1458+4T>C

Gene: SEMA3E (semaphorin 3E; minus strand). Cytogenetic location: 7q21.11.
Variant type: single nucleotide variant.
Coding change: c.1458+4T>C on transcript NM_012431.3 (MANE Select); 4 bases into the intron after coding-DNA position 1458, T replaced by C.
Molecular consequence: intron variant.
Genome position (GRCh38, 1-based): chr7:83,396,634, A>G on the plus strand (T>C on the coding strand, the complement: SEMA3E is on the minus strand). VCF-style: chr7-83396634-A-G. GRCh37 (hg19) VCF-style: chr7-83025950-A-G.
Other names: c.1278+4T>C (NM_001178129.2).
Identifiers: ClinVar variation 4281401 (VCV004281401.7).
Genomic context (GRCh38, chr7:83,396,634, plus strand): 5'-CCTATTTACATCTCACTTGTAGTTGTAATGCATAAATTTGGTCTGTATTTTTTGCTTTAA[A>G]TACCTTGAATATCTGAAGTTCTTCTAGAATTACTTCTTCCATTGATTCCATTTCTTGGTT-3'

ClinVar aggregate classification (germline): Uncertain significance (1 of 4 stars; one submission).

Submission:

CeGaT Center for Human Genetics Tuebingen
Classification: Uncertain significance. Last evaluated: 2025-09-01. Review status: criteria provided, single submitter. Criteria: CeGaT Center For Human Genetics Tuebingen Variant Classification Criteria Version 2. Collection method: clinical testing. Allele origin: germline. Affected: yes. Observed: 1 variant allele.
Comment: SEMA3E: PM2, BP4